The following is an entry in ClinVar:

ClinVar aggregate classification (germline): Likely benign (1 of 4 stars; one submission).

Allele frequency attached by ClinVar (database versions not stated): ExAC 0.00002; TOPMed 0.00002; gnomAD 0.00003; gnomAD exomes 0.00004.
gnomAD v4.1: 59 of 1,590,320 alleles (0.0037%); highest among the groups gnomAD compares: East Asian, 0.058%; no homozygotes.

Submission:

CeGaT Center for Human Genetics Tuebingen
Classification: Likely benign. Last evaluated: 2022-08-01. Review status: criteria provided, single submitter. Criteria: CeGaT Center For Human Genetics Tuebingen Variant Classification Criteria Version 2. Collection method: clinical testing. Allele origin: germline. Affected: yes. Observed: 1 variant allele.
Comment: MEGF8: BP4, BP7

NM_001271938.2(MEGF8):c.3018C>T (p.Cys1006=)

Gene: MEGF8 (multiple EGF like domains 8; plus strand). Cytogenetic location: 19q13.2.
Variant type: single nucleotide variant.
Coding change: c.3018C>T on transcript NM_001271938.2 (MANE Select); coding-DNA position 3018, C replaced by T.
Protein change: p.Cys1006=; no amino-acid change (cysteine 1006 retained).
Molecular consequence: synonymous variant.
Genome position (GRCh38, 1-based): chr19:42,351,678, C>T. VCF-style: chr19-42351678-C-T. GRCh37 (hg19) VCF-style: chr19-42855830-C-T.
Other names: c.2817C>T, p.Cys939= (NM_001410.3).
Identifiers: ClinVar variation 2650031 (VCV002650031.24), dbSNP rs745653157, ClinGen allele CA9474881.